The following is an entry in ClinVar:

ClinVar aggregate classification (germline): Likely benign. Review status: criteria provided, multiple submitters, no conflicts (2 of 4 stars). 3 submissions from 3 submitters: Likely benign (3). Last evaluated 2025-05-19.

Allele frequency attached by ClinVar (database versions not stated): ExAC 0.00007; gnomAD 0.00007 and 0.00008; gnomAD exomes 0.00009 and 0.00015; TOPMed 0.00009; ESP Exome Variant Server 0.00023.
gnomAD v4.1: 216 of 1,613,870 alleles (0.013%); highest among the groups gnomAD compares: Non-Finnish European, 0.018%; no homozygotes.

Submissions (3):

Labcorp Genetics (formerly Invitae), Labcorp
Classification: Likely benign. Last evaluated: 2025-05-19. Review status: criteria provided, single submitter. Criteria: Invitae Variant Classification Sherloc (09022015). Collection method: clinical testing. Allele origin: germline.

CeGaT Center for Human Genetics Tuebingen
Classification: Likely benign. Last evaluated: 2024-02-01. Review status: criteria provided, single submitter. Criteria: CeGaT Center For Human Genetics Tuebingen Variant Classification Criteria Version 2. Collection method: clinical testing. Allele origin: germline. Affected: yes. Observed: 2 variant alleles.
Comment: VPS13D: BP4, BP7

Breakthrough Genomics
Classification: Likely benign. Review status: criteria provided, single submitter. Criteria: ACMG Guidelines, 2015. Collection method: not provided. Allele origin: germline. Inheritance: Autosomal recessive inheritance. Affected: yes.

NM_015378.4(VPS13D):c.5898C>T (p.Arg1966=)

Gene: VPS13D (vacuolar protein sorting 13 homolog D; plus strand). Cytogenetic location: 1p36.22.
Variant type: single nucleotide variant.
Coding change: c.5898C>T on transcript NM_015378.4 (MANE Select); coding-DNA position 5898, C replaced by T.
Protein change: p.Arg1966=; no amino-acid change (arginine 1966 retained).
Molecular consequence: synonymous variant.
Genome position (GRCh38, 1-based): chr1:12,293,569, C>T. VCF-style: chr1-12293569-C-T. GRCh37 (hg19) VCF-style: chr1-12353626-C-T.
Other names: c.5898C>T, p.Arg1966= (NM_018156.4).
Identifiers: ClinVar variation 1632606 (VCV001632606.33), dbSNP rs150933670, ClinGen allele CA602463.